The following is an entry in ClinVar:

ClinVar aggregate classification (germline): Uncertain significance. Review status: criteria provided, single submitter (1 of 4 stars). 2 submissions from 2 submitters: Uncertain significance (1). 1 of the submissions does not count toward it. Last evaluated 2023-09-25.

Conditions:
BCL11B-related disorder. Also called: BCL11B-Related Disorders.

Submissions (2):

Labcorp Genetics (formerly Invitae), Labcorp
Classification: Uncertain significance. Last evaluated: 2023-09-25. Review status: criteria provided, single submitter. Criteria: Invitae Variant Classification Sherloc (09022015). Collection method: clinical testing. Allele origin: germline.
Comment: Advanced modeling of protein sequence and biophysical properties (such as structural, functional, and spatial information, amino acid conservation, physicochemical variation, residue mobility, and thermodynamic stability) performed at Invitae indicates that this missense variant is not expected to disrupt BCL11B protein function. In summary, the available evidence is currently insufficient to determine the role of this variant in disease. Therefore, it has been classified as a Variant of Uncertain Significance. This variant has not been reported in the literature in individuals affected with BCL11B-related conditions. This variant is not present in population databases (gnomAD no frequency). This sequence change replaces glutamic acid, which is acidic and polar, with aspartic acid, which is acidic and polar, at codon 521 of the BCL11B protein (p.Glu521Asp).

PreventionGenetics, part of Exact Sciences
Classification: Uncertain significance for BCL11B-related condition. Last evaluated: 2023-10-26. Review status: no assertion criteria provided. Collection method: clinical testing. Allele origin: germline. Not counted in ClinVar's aggregate classification.
Comment: The BCL11B c.1350G>C variant is predicted to result in the amino acid substitution p.Glu450Asp. To our knowledge, this variant has not been reported in the literature or in a large population database, indicating this variant is rare. At this time, the clinical significance of this variant is uncertain due to the absence of conclusive functional and genetic evidence.

NM_138576.4(BCL11B):c.1563G>C (p.Glu521Asp)

Gene: BCL11B (BCL11 transcription factor B; minus strand). Cytogenetic location: 14q32.2.
Variant type: single nucleotide variant.
Coding change: c.1563G>C on transcript NM_138576.4 (MANE Select); coding-DNA position 1563, G replaced by C.
Protein change: p.Glu521Asp; replaces glutamic acid 521 with aspartic acid.
Molecular consequence: missense variant.
Genome position (GRCh38, 1-based): chr14:99,175,273, C>G on the plus strand (G>C on the coding strand, the complement: BCL11B is on the minus strand). VCF-style: chr14-99175273-C-G. GRCh37 (hg19) VCF-style: chr14-99641610-C-G.
Other names: c.1560G>C, p.Glu520Asp (NM_001282237.2); c.1347G>C, p.Glu449Asp (NM_001282238.2); c.1350G>C, p.Glu450Asp (NM_022898.3); c.1350G>C (NM_022898.2); short protein forms E450D, E520D, E449D, E521D.
Identifiers: ClinVar variation 2756767 (VCV002756767.5), dbSNP rs2503645101, ClinGen allele CA390935104.
Genomic context (GRCh38, chr14:99,175,273, plus strand): 5'-CTCCTCCTCCTCCTCCTCCTCGTCCTCCTCCTCCGGCTCGTGGCCCAGCGACGGGTCGCT[C>G]TCGTGGTGGCGGAAGTCACCGTCGGCCGCCTTGAGGCCCTCGCCCGCCAGCTCGCTGGTG-3'
Protein context (NP_612808.1, residues 511-531): KAADGDFRHH[Glu521Asp]SDPSLGHEPE